The following is an entry in ClinVar:

ClinVar aggregate classification (germline): Benign (1 of 4 stars; one submission).

Conditions:
Familial cancer of breast. Also called: hereditary breast carcinoma; BREAST CANCER, FAMILIAL; Hereditary breast cancer. Identifiers: Orphanet 227535, MedGen C0346153, MONDO:0016419, OMIM 114480. Disease mechanism: loss of function.

Submission:

Myriad Genetics, Inc.
Classification: Benign for Familial cancer of breast. Last evaluated: 2024-06-18. Review status: criteria provided, single submitter. Criteria: Myriad Autosomal Dominant, Autosomal Recessive and X-Linked Classification Criteria (2023). Collection method: clinical testing. Allele origin: unknown.
Comment: This variant is considered benign. This variant is a silent/synonymous amino acid change and it is not expected to impact splicing.

NM_000051.4(ATM):c.8079A>G (p.Ala2693=)

Genes: ATM (ATM serine/threonine kinase; plus strand), C11orf65 (chromosome 11 open reading frame 65; minus strand). Cytogenetic location: 11q22.3.
Variant type: single nucleotide variant.
Coding change: c.8079A>G on transcript NM_000051.4 (MANE Select); coding-DNA position 8079, A replaced by G.
Protein change: p.Ala2693=; no amino-acid change (alanine 2693 retained).
Molecular consequence: synonymous variant. On other transcripts: intron variant (2).
Genome position (GRCh38, 1-based): chr11:108,335,037, A>G. VCF-style: chr11-108335037-A-G. GRCh37 (hg19) VCF-style: chr11-108205764-A-G.
Other names: c.8079A>G, p.Ala2693= (NM_001351834.2); c.641-25966T>C (NM_001330368.2); c.*38+183T>C (NM_001351110.2).
Identifiers: ClinVar variation 3254457 (VCV003254457.1), dbSNP rs2136659123.